The following is an entry in ClinVar:

NM_006947.4(SRP72):c.263A>C (p.Glu88Ala)

Gene: SRP72 (signal recognition particle 72; plus strand). Cytogenetic location: 4q12.
Variant type: single nucleotide variant.
Coding change: c.263A>C on transcript NM_006947.4 (MANE Select); coding-DNA position 263, A replaced by C.
Protein change: p.Glu88Ala; replaces glutamic acid 88 with alanine.
Molecular consequence: missense variant. On other transcripts: non-coding transcript variant (1).
Genome position (GRCh38, 1-based): chr4:56,471,752, A>C. VCF-style: chr4-56471752-A-C. GRCh37 (hg19) VCF-style: chr4-57337918-A-C.
Other names: c.263A>C, p.Glu88Ala (NM_001267722.2); short protein forms E88A.
Identifiers: ClinVar variation 3801430 (VCV003801430.1).

ClinVar aggregate classification (germline): Uncertain significance (1 of 4 stars; one submission).

Submission:

Ambry Genetics
Classification: Uncertain significance. Last evaluated: 2025-01-06. Review status: criteria provided, single submitter. Criteria: Ambry Variant Classification Scheme 2023. Collection method: clinical testing. Allele origin: germline.
Comment: The p.E88A variant (also known as c.263A>C), located in coding exon 3 of the SRP72 gene, results from an A to C substitution at nucleotide position 263. The glutamic acid at codon 88 is replaced by alanine, an amino acid with dissimilar properties. This amino acid position is conserved. In addition, the in silico prediction for this alteration is inconclusive. Based on the available evidence, the clinical significance of this variant remains unclear.